The following is an entry in ClinVar:

NM_004036.5(ADCY3):c.2744A>G (p.Tyr915Cys)

Gene: ADCY3 (adenylate cyclase 3; minus strand). Cytogenetic location: 2p23.3.
Variant type: single nucleotide variant.
Coding change: c.2744A>G on transcript NM_004036.5 (MANE Select); coding-DNA position 2744, A replaced by G.
Protein change: p.Tyr915Cys; replaces tyrosine 915 with cysteine.
Molecular consequence: missense variant. On other transcripts: intron variant (1).
Genome position (GRCh38, 1-based): chr2:24,823,348, T>C on the plus strand (A>G on the coding strand, the complement: ADCY3 is on the minus strand). VCF-style: chr2-24823348-T-C. GRCh37 (hg19) VCF-style: chr2-25046217-T-C.
Other names: c.2747A>G, p.Tyr916Cys (NM_001320613.2); c.2810A>G, p.Tyr937Cys (NM_001377128.1); c.2606A>G, p.Tyr869Cys (NM_001377129.1); c.2021A>G, p.Tyr674Cys (NM_001377131.1); c.2744A>G, p.Tyr915Cys (NM_001377132.1); c.2332-718A>G (NM_001377130.1); short protein forms Y674C, Y869C, Y915C, Y916C, Y937C.
Identifiers: ClinVar variation 3348396 (VCV003348396.1).

ClinVar aggregate classification (germline): Uncertain significance (0 of 4 stars; one submission).

Conditions:
ADCY3-related disorder. Also called: ADCY3-related condition.

Submission:

PreventionGenetics, part of Exact Sciences
Classification: Uncertain significance for ADCY3-related condition. Last evaluated: 2023-11-30. Review status: no assertion criteria provided. Collection method: clinical testing. Allele origin: germline.
Comment: The ADCY3 c.2747A>G variant is predicted to result in the amino acid substitution p.Tyr916Cys. To our knowledge, this variant has not been reported in the literature or in a large population database, indicating this variant is rare. At this time, the clinical significance of this variant is uncertain due to the absence of conclusive functional and genetic evidence.